The following is an entry in ClinVar:

ClinVar aggregate classification (germline): Conflicting classifications of pathogenicity. Review status: criteria provided, conflicting classifications (1 of 4 stars). 3 submissions from 3 submitters: Likely pathogenic (1); Uncertain significance (2). Last evaluated 2025-12-03.

Submissions (3):

Labcorp Genetics (formerly Invitae), Labcorp
Classification: Uncertain significance. Last evaluated: 2025-12-03. Review status: criteria provided, single submitter. Criteria: Invitae Variant Classification Sherloc (09022015). Collection method: clinical testing. Allele origin: germline.
Comment: This sequence change replaces phenylalanine, which is neutral and non-polar, with serine, which is neutral and polar, at codon 1446 of the MYH9 protein (p.Phe1446Ser). This variant is not present in population databases (gnomAD no frequency). This missense change has been observed in individuals with MYH9-related conditions (PMID: 37752057; internal data). ClinVar contains an entry for this variant (Variation ID: 2074219). Invitae Evidence Modeling of protein sequence and biophysical properties (such as structural, functional, and spatial information, amino acid conservation, physicochemical variation, residue mobility, and thermodynamic stability) has been performed for this missense variant. However, the output from this modeling did not meet the statistical confidence thresholds required to predict the impact of this variant on MYH9 protein function. This variant disrupts the p.Phe1446 amino acid residue in MYH9. Other variant(s) that disrupt this residue have been observed in individuals with MYH9-related conditions (PMID: 23489225), which suggests that this may be a clinically significant amino acid residue. In summary, the available evidence is currently insufficient to determine the role of this variant in disease. Therefore, it has been classified as a Variant of Uncertain Significance.

Mayo Clinic Laboratories, Mayo Clinic
Classification: Likely pathogenic. Last evaluated: 2025-05-01. Review status: criteria provided, single submitter. Criteria: ACMG Guidelines, 2015. Collection method: clinical testing. Allele origin: germline. Observed: 1 variant allele.
Comment: PP2, PP3_moderate, PM2_supporting, PS4_moderate

Blueprint Genetics
Classification: Uncertain significance. Last evaluated: 2022-09-08. Review status: criteria provided, single submitter. Criteria: ACMG Guidelines, 2015. Collection method: clinical testing. Allele origin: germline.

Literature cited by the submitters: PubMed 37752057 (cited by Labcorp Genetics (formerly Invitae), Labcorp and Mayo Clinic Laboratories, Mayo Clinic); PubMed 23489225 (cited by Labcorp Genetics (formerly Invitae), Labcorp); PubMed 38650331 (cited by Mayo Clinic Laboratories, Mayo Clinic).

NM_002473.6(MYH9):c.4337T>C (p.Phe1446Ser)

Gene: MYH9 (myosin heavy chain 9; minus strand). Cytogenetic location: 22q12.3.
Variant type: single nucleotide variant.
Coding change: c.4337T>C on transcript NM_002473.6 (MANE Select); coding-DNA position 4337, T replaced by C.
Protein change: p.Phe1446Ser; replaces phenylalanine 1446 with serine.
Molecular consequence: missense variant.
Genome position (GRCh38, 1-based): chr22:36,291,993, A>G on the plus strand (T>C on the coding strand, the complement: MYH9 is on the minus strand). VCF-style: chr22-36291993-A-G. GRCh37 (hg19) VCF-style: chr22-36688039-A-G.
Other names: p.Phe1446Ser; short protein forms F1446S.
Identifiers: ClinVar variation 2074219 (VCV002074219.6), dbSNP rs2517958032, ClinGen allele CA411381897.